The following is an entry in ClinVar:

ClinVar aggregate classification (germline): Uncertain significance. Review status: criteria provided, multiple submitters, no conflicts (2 of 4 stars). 4 submissions from 4 submitters: Uncertain significance (4). Last evaluated 2023-12-04.

Conditions:
Hereditary cancer-predisposing syndrome. Also called: Neoplastic Syndromes, Hereditary; Tumor predisposition; Hereditary neoplastic syndrome; Hereditary Cancer Syndrome. Identifiers: Orphanet 140162, MedGen C0027672, MeSH D009386, MONDO:0015356.
Familial cancer of breast. Also called: BREAST CANCER, FAMILIAL; Hereditary breast cancer; hereditary breast carcinoma. Identifiers: Orphanet 227535, MedGen C0346153, MONDO:0016419, OMIM 114480. Disease mechanism: loss of function.

Allele frequency attached by ClinVar (database versions not stated): gnomAD exomes below 0.00001.
gnomAD v4.1: 6 of 1,594,618 alleles (0.00038%); highest among the groups gnomAD compares: African/African-American, 0.0013%; no homozygotes.

Submissions (4):

Color Diagnostics, LLC DBA Color Health
Classification: Uncertain significance for Hereditary cancer-predisposing syndrome. Last evaluated: 2023-12-04. Review status: criteria provided, single submitter. Criteria: ACMG Guidelines, 2015. Collection method: clinical testing. Allele origin: germline.
Comment: This missense variant replaces leucine with proline at codon 508 of the CHEK2 protein. Computational prediction suggests that this variant may not impact protein structure and function (internally defined REVEL score threshold <= 0.5, PMID: 27666373). To our knowledge, functional studies have not been reported for this variant. This variant has not been reported in individuals affected with CHEK2-related disorders in the literature. This variant has not been identified in the general population by the Genome Aggregation Database (gnomAD). The available evidence is insufficient to determine the role of this variant in disease conclusively. Therefore, this variant is classified as a Variant of Uncertain Significance.

Labcorp Genetics (formerly Invitae), Labcorp
Classification: Uncertain significance for Familial cancer of breast. Last evaluated: 2022-07-06. Review status: criteria provided, single submitter. Criteria: Invitae Variant Classification Sherloc (09022015). Collection method: clinical testing. Allele origin: germline.
Comment: This sequence change replaces leucine, which is neutral and non-polar, with proline, which is neutral and non-polar, at codon 508 of the CHEK2 protein (p.Leu508Pro). This variant is present in population databases (no rsID available, gnomAD 0.007%). This variant has not been reported in the literature in individuals affected with CHEK2-related conditions. ClinVar contains an entry for this variant (Variation ID: 629789). Algorithms developed to predict the effect of missense changes on protein structure and function (SIFT, PolyPhen-2, Align-GVGD) all suggest that this variant is likely to be tolerated. In summary, the available evidence is currently insufficient to determine the role of this variant in disease. Therefore, it has been classified as a Variant of Uncertain Significance.

GeneDx
Classification: Uncertain significance. Last evaluated: 2020-08-03. Review status: criteria provided, single submitter. Criteria: GeneDx Variant Classification Process June 2021. Collection method: clinical testing. Allele origin: germline. Affected: yes.
Comment: Not observed at a significant frequency in large population cohorts (Lek et al., 2016); In silico analysis supports that this missense variant does not alter protein structure/function; Has not been previously published as pathogenic or benign to our knowledge

Ambry Genetics
Classification: Uncertain significance for Hereditary cancer-predisposing syndrome. Last evaluated: 2019-01-07. Review status: criteria provided, single submitter. Criteria: Ambry Variant Classification Scheme 2023. Collection method: clinical testing. Allele origin: germline.

NM_007194.4(CHEK2):c.1523T>C (p.Leu508Pro)

Gene: CHEK2 (checkpoint kinase 2; minus strand). Cytogenetic location: 22q12.1.
Variant type: single nucleotide variant.
Coding change: c.1523T>C on transcript NM_007194.4 (MANE Select); coding-DNA position 1523, T replaced by C.
Protein change: p.Leu508Pro; replaces leucine 508 with proline.
Molecular consequence: missense variant.
Genome position (GRCh38, 1-based): chr22:28,689,154, A>G on the plus strand (T>C on the coding strand, the complement: CHEK2 is on the minus strand). VCF-style: chr22-28689154-A-G. GRCh37 (hg19) VCF-style: chr22-29085142-A-G.
Other names: c.1652T>C, p.Leu551Pro (NM_001005735.3); c.860T>C, p.Leu287Pro (NM_001257387.3); c.1322T>C, p.Leu441Pro (NM_001349956.3); c.1436T>C, p.Leu479Pro (NM_145862.3); short protein forms L508P, L479P, L287P, L441P, L551P.
Identifiers: ClinVar variation 629789 (VCV000629789.13), dbSNP rs1338238773, ClinGen allele CA411092345.